The following is an entry in ClinVar:

ClinVar aggregate classification (germline): Conflicting classifications of pathogenicity. Review status: criteria provided, conflicting classifications (1 of 4 stars). 6 submissions from 6 submitters: Uncertain significance (1); Benign (1); Likely benign (4). Last evaluated 2026-08-01.

Conditions:
Hereditary cancer-predisposing syndrome. Also called: Neoplastic Syndromes, Hereditary; Tumor predisposition; Hereditary Cancer Syndrome; Hereditary neoplastic syndrome. Identifiers: Orphanet 140162, MedGen C0027672, MeSH D009386, MONDO:0015356.
Familial adenomatous polyposis 1 (FAP1). Also called: POLYPOSIS, ADENOMATOUS INTESTINAL; FAMILIAL ADENOMATOUS POLYPOSIS 1, ATTENUATED. Identifiers: MedGen C2713442, MONDO:0021056, OMIM 175100. Disease mechanism: loss of function.
APC-related disorder. Also called: APC-related condition.

Allele frequency attached by ClinVar (database versions not stated): gnomAD 0.00001.
gnomAD v4.1: 1 of 1,614,070 alleles (0.000062%); highest among the groups gnomAD compares: South Asian, 0.0011%; no homozygotes.

Submissions (6):

CeGaT Center for Human Genetics Tuebingen
Classification: Likely benign. Last evaluated: 2026-08-01. Review status: criteria provided, single submitter. Criteria: CeGaT Center For Human Genetics Tuebingen Variant Classification Criteria Version 2. Collection method: clinical testing. Allele origin: germline. Affected: yes. Observed: 1 variant allele.
Comment: APC: BP4, BP7

Labcorp Genetics (formerly Invitae), Labcorp
Classification: Likely benign for Familial adenomatous polyposis 1. Last evaluated: 2025-10-31. Review status: criteria provided, single submitter. Criteria: Invitae Variant Classification Sherloc (09022015). Collection method: clinical testing. Allele origin: germline.

Myriad Genetics, Inc.
Classification: Benign for Familial adenomatous polyposis 1. Last evaluated: 2024-04-09. Review status: criteria provided, single submitter. Criteria: Myriad Autosomal Dominant, Autosomal Recessive and X-Linked Classification Criteria (2023). Collection method: clinical testing. Allele origin: unknown.
Comment: This variant is considered benign. This variant is a silent/synonymous amino acid change and it is not expected to impact splicing.

PreventionGenetics, part of Exact Sciences
Classification: Uncertain significance for APC-related condition. Last evaluated: 2022-10-17. Review status: criteria provided, single submitter. Criteria: ACMG Guidelines, 2015. Collection method: clinical testing. Allele origin: germline.
Comment: The APC c.7284A>G variant is not predicted to result in an amino acid change (p.=). This variant is predicted to alter splicing based on available splicing prediction programs (Alamut Visual v2.11). However, the use of computer prediction programs is not equivalent to functional evidence. To our knowledge, this variant has not been reported in the literature or in a large population database, indicating this variant is rare. This variant is interpreted as likely benign in ClinVar. At this time, the clinical significance of this variant is uncertain due to the absence of conclusive functional and genetic evidence.

GeneDx
Classification: Likely benign. Last evaluated: 2017-12-18. Review status: criteria provided, single submitter. Criteria: GeneDx Variant Classification (06012015). Collection method: clinical testing. Allele origin: germline. Affected: yes.
Comment: This variant is considered likely benign or benign based on one or more of the following criteria: it is a conservative change, it occurs at a poorly conserved position in the protein, it is predicted to be benign by multiple in silico algorithms, and/or has population frequency not consistent with disease.

Ambry Genetics
Classification: Likely benign for Hereditary cancer-predisposing syndrome. Last evaluated: 2015-01-28. Review status: criteria provided, single submitter. Criteria: Ambry Variant Classification Scheme 2023. Collection method: clinical testing. Allele origin: germline.

NM_000038.6(APC):c.7284A>G (p.Glu2428=)

Gene: APC (APC regulator of Wnt signaling pathway; plus strand). Cytogenetic location: 5q22.2.
Variant type: single nucleotide variant.
Coding change: c.7284A>G on transcript NM_000038.6 (MANE Select); coding-DNA position 7284, A replaced by G.
Protein change: p.Glu2428=; no amino-acid change (glutamic acid 2428 retained).
Molecular consequence: synonymous variant.
Genome position (GRCh38, 1-based): chr5:112,842,878, A>G. VCF-style: chr5-112842878-A-G. GRCh37 (hg19) VCF-style: chr5-112178575-A-G.
Other names: c.7284A>G, p.Glu2428= (NM_001127510.3, NM_001354895.2); c.7230A>G, p.Glu2410= (NM_001127511.3); c.7338A>G, p.Glu2446= (NM_001354896.2); c.7314A>G, p.Glu2438= (NM_001354897.2); c.7209A>G, p.Glu2403= (NM_001354898.2); c.7200A>G, p.Glu2400= (NM_001354899.2); c.7161A>G, p.Glu2387= (NM_001354900.2); c.7107A>G, p.Glu2369= (NM_001354901.2); and 5 more.
Identifiers: ClinVar variation 229786 (VCV000229786.20), dbSNP rs876658194, ClinGen allele CA10578441.